The following is an entry in ClinVar:

ClinVar aggregate classification (germline): Likely benign (1 of 4 stars; one submission).

Allele frequency attached by ClinVar (database versions not stated): 1000 Genomes Project 0.00060; ESP Exome Variant Server 0.00100; 1000 Genomes Project 30x 0.00125; TOPMed 0.00141; gnomAD exomes 0.00191; gnomAD 0.00210; ExAC 0.00327.
gnomAD v4.1: 3,103 of 1,611,420 alleles (0.19%); highest among the groups gnomAD compares: Admixed American, 0.74%; 13 homozygotes.

Submission:

CeGaT Center for Human Genetics Tuebingen
Classification: Likely benign. Last evaluated: 2024-02-01. Review status: criteria provided, single submitter. Criteria: CeGaT Center For Human Genetics Tuebingen Variant Classification Criteria Version 2. Collection method: clinical testing. Allele origin: germline. Affected: yes. Observed: 1 variant allele.
Comment: SIGLEC1: BP4, BS2

NM_023068.4(SIGLEC1):c.3752A>G (p.Asn1251Ser)

Gene: SIGLEC1 (sialic acid binding Ig like lectin 1; minus strand). Cytogenetic location: 20p13.
Variant type: single nucleotide variant.
Coding change: c.3752A>G on transcript NM_023068.4 (MANE Select); coding-DNA position 3752, A replaced by G.
Protein change: p.Asn1251Ser; replaces asparagine 1251 with serine.
Molecular consequence: missense variant.
Genome position (GRCh38, 1-based): chr20:3,692,888, T>C on the plus strand (A>G on the coding strand, the complement: SIGLEC1 is on the minus strand). VCF-style: chr20-3692888-T-C. GRCh37 (hg19) VCF-style: chr20-3673535-T-C.
Other names: c.3752A>G, p.Asn1251Ser (NM_001367089.1); short protein forms N1251S.
Identifiers: ClinVar variation 3024880 (VCV003024880.22), dbSNP rs142582117, ClinGen allele CA9746370.